The following is an entry in ClinVar:

ClinVar aggregate classification (germline): Uncertain significance (1 of 4 stars; one submission).

Conditions:
Peroxisome biogenesis disorder 11A (Zellweger). Also called: Peroxisome biogenesis disorder 11A. Identifiers: Orphanet 912, MedGen C3554000, MONDO:0013949, OMIM 614883.

Submission:

Labcorp Genetics (formerly Invitae), Labcorp
Classification: Uncertain significance for Peroxisome biogenesis disorder 11A (Zellweger). Last evaluated: 2021-04-02. Review status: criteria provided, single submitter. Criteria: Invitae Variant Classification Sherloc (09022015). Collection method: clinical testing. Allele origin: germline.
Comment: In summary, the available evidence is currently insufficient to determine the role of this variant in disease. Therefore, it has been classified as a Variant of Uncertain Significance. Algorithms developed to predict the effect of missense changes on protein structure and function are either unavailable or do not agree on the potential impact of this missense change (SIFT: "Tolerated"; PolyPhen-2: "Probably Damaging"; Align-GVGD: "Class C0"). This variant has not been reported in the literature in individuals with PEX13-related conditions. This variant is not present in population databases (ExAC no frequency). This sequence change replaces glutamic acid with glutamine at codon 378 of the PEX13 protein (p.Glu378Gln). The glutamic acid residue is weakly conserved and there is a small physicochemical difference between glutamic acid and glutamine.

NM_002618.4(PEX13):c.1132G>C (p.Glu378Gln)

Gene: PEX13 (peroxisomal biogenesis factor 13; plus strand). Cytogenetic location: 2p15.
Variant type: single nucleotide variant.
Coding change: c.1132G>C on transcript NM_002618.4 (MANE Select); coding-DNA position 1132, G replaced by C.
Protein change: p.Glu378Gln; replaces glutamic acid 378 with glutamine.
Molecular consequence: missense variant.
Genome position (GRCh38, 1-based): chr2:61,048,690, G>C. VCF-style: chr2-61048690-G-C. GRCh37 (hg19) VCF-style: chr2-61275825-G-C.
Other names: short protein forms E378Q.
Identifiers: ClinVar variation 1493716 (VCV001493716.8), dbSNP rs1167111884, ClinGen allele CA346950188.